The following is an entry in ClinVar:

ClinVar aggregate classification (germline): Uncertain significance (1 of 4 stars; one submission).

Submission:

Labcorp Genetics (formerly Invitae), Labcorp
Classification: Uncertain significance. Last evaluated: 2022-06-13. Review status: criteria provided, single submitter. Criteria: Invitae Variant Classification Sherloc (09022015). Collection method: clinical testing. Allele origin: germline.
Comment: This sequence change replaces glutamic acid, which is acidic and polar, with alanine, which is neutral and non-polar, at codon 232 of the RORB protein (p.Glu232Ala). This variant is not present in population databases (gnomAD no frequency). This variant has not been reported in the literature in individuals affected with RORB-related conditions. Algorithms developed to predict the effect of missense changes on protein structure and function (SIFT, PolyPhen-2, Align-GVGD) all suggest that this variant is likely to be tolerated. In summary, the available evidence is currently insufficient to determine the role of this variant in disease. Therefore, it has been classified as a Variant of Uncertain Significance.

NM_006914.4(RORB):c.695A>C (p.Glu232Ala)

Gene: RORB (RAR related orphan receptor B; plus strand). Cytogenetic location: 9q21.13.
Variant type: single nucleotide variant.
Coding change: c.695A>C on transcript NM_006914.4 (MANE Select); coding-DNA position 695, A replaced by C.
Protein change: p.Glu232Ala; replaces glutamic acid 232 with alanine.
Molecular consequence: missense variant.
Genome position (GRCh38, 1-based): chr9:74,660,674, A>C. VCF-style: chr9-74660674-A-C. GRCh37 (hg19) VCF-style: chr9-77275590-A-C.
Other names: c.728A>C, p.Glu243Ala (NM_001365023.1); short protein forms E232A, E243A.
Identifiers: ClinVar variation 1382517 (VCV001382517.6), dbSNP rs2118510961, ClinGen allele CA373770480.